The following is an entry in ClinVar:

ClinVar aggregate classification (germline): Likely benign. Review status: criteria provided, multiple submitters, no conflicts (2 of 4 stars). 2 submissions from 2 submitters: Likely benign (2). Last evaluated 2026-05-14.

Conditions:
Neurofibromatosis, type 1 (NF1). Also called: Peripheral type neurofibromatosis; NEUROFIBROMATOSIS, TYPE I, SOMATIC; VON RECKLINGHAUSEN DISEASE; Neurofibromatosis, type I. Identifiers: Orphanet 636, MedGen C0027831, MONDO:0018975, OMIM 162200. Disease mechanism: loss of function.

gnomAD v4.1: 1 of 1,613,444 alleles (0.000062%); highest among the groups gnomAD compares: Non-Finnish European, 0.000085%; no homozygotes.

Submissions (2):

Myriad Genetics, Inc.
Classification: Likely benign for Neurofibromatosis, type 1. Last evaluated: 2026-05-14. Review status: criteria provided, single submitter. Criteria: Myriad Autosomal Dominant, Autosomal Recessive and X-Linked Classification Criteria (2023). Collection method: clinical testing. Allele origin: unknown.
Comment: This variant is considered likely benign. This variant is intronic and is not expected to impact mRNA splicing.

Labcorp Genetics (formerly Invitae), Labcorp
Classification: Likely benign for Neurofibromatosis, type 1. Last evaluated: 2023-05-01. Review status: criteria provided, single submitter. Criteria: Invitae Variant Classification Sherloc (09022015). Collection method: clinical testing. Allele origin: germline.

NM_001042492.3(NF1):c.7971-9T>C

Gene: NF1 (neurofibromin 1; plus strand). Cytogenetic location: 17q11.2.
Variant type: single nucleotide variant.
Coding change: c.7971-9T>C on transcript NM_001042492.3 (MANE Select); 9 bases into the intron before coding-DNA position 7971, T replaced by C.
Molecular consequence: intron variant.
Genome position (GRCh38, 1-based): chr17:31,358,471, T>C. VCF-style: chr17-31358471-T-C. GRCh37 (hg19) VCF-style: chr17-29685489-T-C.
Other names: c.7908-9T>C (NM_000267.4).
Identifiers: ClinVar variation 1114217 (VCV001114217.8), dbSNP rs2151584749, ClinGen allele CA2499224249.